The following is an entry in ClinVar:

ClinVar aggregate classification (germline): Likely benign. Review status: criteria provided, multiple submitters, no conflicts (2 of 4 stars). 2 submissions from 2 submitters: Likely benign (2). Last evaluated 2026-09-01.

Allele frequency attached by ClinVar (database versions not stated): TOPMed below 0.00001.
gnomAD v4.1: 2 of 1,557,792 alleles (0.00013%); highest among the groups gnomAD compares: Admixed American, 0.0019%; no homozygotes.

Submissions (2):

CeGaT Center for Human Genetics Tuebingen
Classification: Likely benign. Last evaluated: 2026-09-01. Review status: criteria provided, single submitter. Criteria: CeGaT Center For Human Genetics Tuebingen Variant Classification Criteria Version 2. Collection method: clinical testing. Allele origin: germline. Affected: yes. Observed: 1 variant allele.
Comment: KMT2D: BP4

GeneDx
Classification: Likely benign. Last evaluated: 2023-06-30. Review status: criteria provided, single submitter. Criteria: GeneDx Variant Classification Process June 2021. Collection method: clinical testing. Allele origin: germline. Affected: yes.
Comment: In silico analysis supports that this missense variant does not alter protein structure/function; Has not been previously published as pathogenic or benign to our knowledge

NM_003482.4(KMT2D):c.8521C>G (p.Pro2841Ala)

Gene: KMT2D (lysine methyltransferase 2D; minus strand). Cytogenetic location: 12q13.12.
Variant type: single nucleotide variant.
Coding change: c.8521C>G on transcript NM_003482.4 (MANE Select); coding-DNA position 8521, C replaced by G.
Protein change: p.Pro2841Ala; replaces proline 2841 with alanine.
Molecular consequence: missense variant.
Genome position (GRCh38, 1-based): chr12:49,038,835, G>C on the plus strand (C>G on the coding strand, the complement: KMT2D is on the minus strand). VCF-style: chr12-49038835-G-C. GRCh37 (hg19) VCF-style: chr12-49432618-G-C.
Other names: short protein forms P2841A.
Identifiers: ClinVar variation 2505629 (VCV002505629.3), dbSNP rs763347763, ClinGen allele CA384741982.